The following is an entry in ClinVar:

ClinVar aggregate classification (germline): Uncertain significance. Review status: criteria provided, multiple submitters, no conflicts (2 of 4 stars). 3 submissions from 3 submitters: Uncertain significance (3). Last evaluated 2024-11-26.

Conditions:
Inborn genetic diseases. Identifiers: MedGen C0950123, MeSH D030342.
Hereditary spastic paraplegia 39 (SPG39). Also called: Spastic Paraplegia Type 39 (SPG39); SPASTIC PARAPLEGIA 39, AUTOSOMAL RECESSIVE. Identifiers: Orphanet 139480, MedGen C2677586, MONDO:0012787, OMIM 612020.

Allele frequency attached by ClinVar (database versions not stated): gnomAD 0.00005 and 0.00006; TOPMed 0.00005.

Submissions (3):

Ambry Genetics
Classification: Uncertain significance for Inborn genetic diseases. Last evaluated: 2024-11-26. Review status: criteria provided, single submitter. Criteria: Ambry Variant Classification Scheme 2023. Collection method: clinical testing. Allele origin: germline.

Blueprint Genetics
Classification: Uncertain significance. Last evaluated: 2024-10-23. Review status: criteria provided, single submitter. Criteria: ACMG Guidelines, 2015. Collection method: clinical testing. Allele origin: germline.

Labcorp Genetics (formerly Invitae), Labcorp
Classification: Uncertain significance for Hereditary spastic paraplegia 39. Last evaluated: 2022-09-27. Review status: criteria provided, single submitter. Criteria: Invitae Variant Classification Sherloc (09022015). Collection method: clinical testing. Allele origin: germline.
Comment: This sequence change replaces valine, which is neutral and non-polar, with methionine, which is neutral and non-polar, at codon 399 of the PNPLA6 protein (p.Val399Met). This variant is present in population databases (rs752915572, gnomAD 0.01%). This variant has not been reported in the literature in individuals affected with PNPLA6-related conditions. ClinVar contains an entry for this variant (Variation ID: 1019016). Advanced modeling of protein sequence and biophysical properties (such as structural, functional, and spatial information, amino acid conservation, physicochemical variation, residue mobility, and thermodynamic stability) performed at Invitae indicates that this missense variant is not expected to disrupt PNPLA6 protein function. In summary, the available evidence is currently insufficient to determine the role of this variant in disease. Therefore, it has been classified as a Variant of Uncertain Significance.

NM_001166114.2(PNPLA6):c.1312G>A (p.Val438Met)

Gene: PNPLA6 (patatin like domain 6, lysophospholipase; plus strand). Cytogenetic location: 19p13.2.
Variant type: single nucleotide variant.
Coding change: c.1312G>A on transcript NM_001166114.2 (MANE Select); coding-DNA position 1312, G replaced by A.
Protein change: p.Val438Met; replaces valine 438 with methionine.
Molecular consequence: missense variant.
Genome position (GRCh38, 1-based): chr19:7,542,620, G>A. VCF-style: chr19-7542620-G-A. GRCh37 (hg19) VCF-style: chr19-7607506-G-A.
Other names: c.1339G>A, p.Val447Met (NM_001166111.2); c.1195G>A, p.Val399Met (NM_001166112.2, NM_001166113.1, NM_006702.5); c.1195G>A (NM_006702.4); short protein forms V399M, V438M, V447M.
Identifiers: ClinVar variation 1019016 (VCV001019016.6), dbSNP rs752915572, ClinGen allele CA9139761.